The following is an entry in ClinVar:

ClinVar aggregate classification (germline): Uncertain significance. Review status: criteria provided, multiple submitters, no conflicts (2 of 4 stars). 2 submissions from 2 submitters: Uncertain significance (2). Last evaluated 2025-09-11.

Conditions:
Inborn genetic diseases. Identifiers: MedGen C0950123, MeSH D030342.

Allele frequency attached by ClinVar (database versions not stated): ExAC 0.00002; gnomAD 0.00004; gnomAD exomes 0.00004 and 0.00011; TOPMed 0.00006.
gnomAD v4.1: 169 of 1,611,668 alleles (0.01%); highest among the groups gnomAD compares: Non-Finnish European, 0.014%; no homozygotes.

Submissions (2):

GeneDx
Classification: Uncertain significance. Last evaluated: 2025-09-11. Review status: criteria provided, single submitter. Criteria: GeneDx Variant Classification Process June 2021. Collection method: clinical testing. Allele origin: germline. Affected: yes.
Comment: Has not been previously published as pathogenic or benign to our knowledge; In silico analysis suggests that this missense variant does not alter protein structure/function; Variants in candidate genes are classified as variants of uncertain significance in accordance with ACMG guidelines (PMID: 25741868)

Ambry Genetics
Classification: Uncertain significance for Inborn genetic diseases. Last evaluated: 2025-08-27. Review status: criteria provided, single submitter. Criteria: Ambry Variant Classification Scheme 2023. Collection method: clinical testing. Allele origin: germline.

NM_020774.4(MIB1):c.1355A>C (p.Lys452Thr)

Gene: MIB1 (MIB E3 ubiquitin protein ligase 1; plus strand). Cytogenetic location: 18q11.2.
Variant type: single nucleotide variant.
Coding change: c.1355A>C on transcript NM_020774.4 (MANE Select); coding-DNA position 1355, A replaced by C.
Protein change: p.Lys452Thr; replaces lysine 452 with threonine.
Molecular consequence: missense variant.
Genome position (GRCh38, 1-based): chr18:21,799,958, A>C. VCF-style: chr18-21799958-A-C. GRCh37 (hg19) VCF-style: chr18-19379919-A-C.
Other names: short protein forms K452T.
Identifiers: ClinVar variation 1310969 (VCV001310969.7), dbSNP rs752947479, ClinGen allele CA8908263.